The following is an entry in ClinVar:

NM_153603.4(COG7):c.343_344insTCCCTCTCCCTCTCCCGTCTCCCTCTCCCTCTCCCGTCTCCCGCTCCCTCTCCCGGCTCCCGCTCCCGCTCCCGGGGCCCTCTCCCGCGCGCGGCNNNNNNNNNNAAAAAAAAAAAAAAAAAAAAAGAAATTGACCAAGTGA (p.Lys115delinsIleProLeuProLeuProSerProSerProSerProValSerArgSerLeuSerArgLeuProLeuProLeuProGlyProSerProAlaArgGlyXaaXaaXaaXaaLysLysLysLysLysLysArgAsnTer)

Gene: COG7 (component of oligomeric golgi complex 7; minus strand). Cytogenetic location: 16p12.2.
Variant type: Insertion.
Coding change: c.343_344insTCCCTCTCCCTCTCCCGTCTCCCTCTCCCTCTCCCGTCTCCCGCTCCCTCTCCCGGCTCCCGCTCCCGCTCCCGGGGCCCTCTCCCGCGCGCGGCNNNNNNNNNNAAAAAAAAAAAAAAAAAAAAAGAAATTGACCAAGTGA on transcript NM_153603.4 (MANE Select); coding-DNA positions 343 to 344, TCCCTCTCCCTCTCCCGTCTCCCTCTCCCTCTCCCGTCTCCCGCTCCCTCTCCCGGCTCCCGCTCCCGCTCCCGGGGCCCTCTCCCGCGCGCGGCNNNNNNNNNNAAAAAAAAAAAAAAAAAAAAAGAAATTGACCAAGTGA inserted.
Protein change: p.Lys115delinsIleProLeuProLeuProSerProSerProSerProValSerArgSerLeuSerArgLeuProLeuProLeuProGlyProSerProAlaArgGlyXaaXaaXaaXaaLysLysLysLysLysLysArgAsnTer.
Molecular consequence: nonsense.
Genome position: GRCh38: chr16:23,445,156-23,445,157. GRCh37 (hg19): chr16:23,456,477-23,456,478.
Identifiers: ClinVar variation 3656005 (VCV003656005.2).

ClinVar aggregate classification (germline): Pathogenic (1 of 4 stars; one submission).

Conditions:
COG7 congenital disorder of glycosylation (CDG2E). Also called: CONGENITAL DISORDER OF GLYCOSYLATION, TYPE IIe; CDG IIe. Identifiers: Orphanet 79333, MedGen C2931010, MONDO:0012118, OMIM 608779.

Submission:

Labcorp Genetics (formerly Invitae), Labcorp
Classification: Pathogenic for COG7 congenital disorder of glycosylation. Last evaluated: 2024-06-09. Review status: criteria provided, single submitter. Criteria: Invitae Variant Classification Sherloc (09022015). Collection method: clinical testing. Allele origin: germline.
Comment: This sequence change inserts a large fragment of DNA, likely a transposable element, in exon 3 of the COG7 gene (c.343_344ins?), causing a frameshift at codon 115 (p.Lys115fs). The exact size and sequence of the insertion cannot be determined by the current assay. However, the insertion is expected to result in an absent or disrupted protein product. This variant is not present in population databases (gnomAD no frequency). This variant has not been reported in the literature in individuals affected with COG7-related conditions. Retrotransposon insertions including LINE1 (L1), Alu, and SVA (SINE-VNTR-Alu) have been reported to be disease-causing through disruption of either a coding region or splice site (PMID: 19763152, 20307669, 22406018) and loss-of-function variants in COG7 are known to be pathogenic (PMID: 21811164). For these reasons, this variant has been classified as Pathogenic.

Literature cited by the submitters: PubMed 19763152; PubMed 20307669; PubMed 22406018; PubMed 21811164.